The following is an entry in ClinVar:

ClinVar aggregate classification (germline): Uncertain significance (1 of 4 stars; one submission).

Allele frequency attached by ClinVar (database versions not stated): ExAC 0.00002; gnomAD 0.00002; gnomAD exomes 0.00002; TOPMed 0.00004.
gnomAD v4.1: 17 of 1,601,654 alleles (0.0011%); highest among the groups gnomAD compares: Admixed American, 0.025%; no homozygotes.

Submission:

Labcorp Genetics (formerly Invitae), Labcorp
Classification: Uncertain significance. Last evaluated: 2025-03-10. Review status: criteria provided, single submitter. Criteria: Invitae Variant Classification Sherloc (09022015). Collection method: clinical testing. Allele origin: germline.
Comment: This sequence change replaces glycine, which is neutral and non-polar, with aspartic acid, which is acidic and polar, at codon 310 of the IGF1R protein (p.Gly310Asp). This variant is present in population databases (rs772820424, gnomAD 0.03%). This variant has not been reported in the literature in individuals affected with IGF1R-related conditions. ClinVar contains an entry for this variant (Variation ID: 2144873). Invitae Evidence Modeling of protein sequence and biophysical properties (such as structural, functional, and spatial information, amino acid conservation, physicochemical variation, residue mobility, and thermodynamic stability) indicates that this missense variant is not expected to disrupt IGF1R protein function with a negative predictive value of 80%. Experimental studies have shown that this missense change affects IGF1R function (PMID: 29470850). In summary, the available evidence is currently insufficient to determine the role of this variant in disease. Therefore, it has been classified as a Variant of Uncertain Significance.

Literature cited by the submitters: PubMed 29470850.

NM_000875.5(IGF1R):c.929G>A (p.Gly310Asp)

Gene: IGF1R (insulin like growth factor 1 receptor; plus strand). Cytogenetic location: 15q26.3.
Variant type: single nucleotide variant.
Coding change: c.929G>A on transcript NM_000875.5 (MANE Select); coding-DNA position 929, G replaced by A.
Protein change: p.Gly310Asp; replaces glycine 310 with aspartic acid.
Molecular consequence: missense variant.
Genome position (GRCh38, 1-based): chr15:98,891,613, G>A. VCF-style: chr15-98891613-G-A. GRCh37 (hg19) VCF-style: chr15-99434842-G-A.
Other names: c.929G>A, p.Gly310Asp (NM_001291858.2); short protein forms G310D.
Identifiers: ClinVar variation 2144873 (VCV002144873.4), dbSNP rs772820424, ClinGen allele CA7751945.